The following is an entry in ClinVar:

ClinVar aggregate classification (germline): Uncertain significance. Review status: criteria provided, multiple submitters, no conflicts (2 of 4 stars). 6 submissions from 6 submitters: Uncertain significance (6). Last evaluated 2025-04-11.

Conditions:
Leukocyte adhesion deficiency 1 (LAD1). Also called: LAD 1; Lymphocyte function-associated antigen 1 immunodeficiency; LFA 1 immunodeficiency; LEUKOCYTE ADHESION DEFICIENCY, TYPE I. Identifiers: Orphanet 2968, Orphanet 99842, MedGen C0398738, MONDO:0007293, OMIM 116920.
Inborn genetic diseases. Identifiers: MedGen C0950123, MeSH D030342.

Allele frequency attached by ClinVar (database versions not stated): gnomAD exomes 0.00006 and 0.00016; ExAC 0.00007; TOPMed 0.00009; gnomAD 0.00010 and 0.00011.
gnomAD v4.1: 250 of 1,614,134 alleles (0.015%); highest among the groups gnomAD compares: Non-Finnish European, 0.02%; no homozygotes.

Submissions (6):

Ambry Genetics
Classification: Uncertain significance for Inborn genetic diseases. Last evaluated: 2025-04-11. Review status: criteria provided, single submitter. Criteria: Ambry Variant Classification Scheme 2023. Collection method: clinical testing. Allele origin: germline.

Blueprint Genetics
Classification: Uncertain significance. Last evaluated: 2024-11-25. Review status: criteria provided, single submitter. Criteria: ACMG Guidelines, 2015. Collection method: clinical testing. Allele origin: germline.

Mayo Clinic Laboratories, Mayo Clinic
Classification: Uncertain significance. Last evaluated: 2024-06-19. Review status: criteria provided, single submitter. Criteria: ACMG Guidelines, 2015. Collection method: clinical testing. Allele origin: germline. Observed: 1 variant allele.

Labcorp Genetics (formerly Invitae), Labcorp
Classification: Uncertain significance for Leukocyte adhesion deficiency 1. Last evaluated: 2022-08-20. Review status: criteria provided, single submitter. Criteria: Invitae Variant Classification Sherloc (09022015). Collection method: clinical testing. Allele origin: germline.
Comment: This sequence change replaces lysine, which is basic and polar, with glutamine, which is neutral and polar, at codon 209 of the ITGB2 protein (p.Lys209Gln). This variant is present in population databases (rs769571214, gnomAD 0.01%). This variant has not been reported in the literature in individuals affected with ITGB2-related conditions. ClinVar contains an entry for this variant (Variation ID: 530683). Algorithms developed to predict the effect of missense changes on protein structure and function are either unavailable or do not agree on the potential impact of this missense change (SIFT: "Deleterious"; PolyPhen-2: "Benign"; Align-GVGD: "Class C0"). In summary, the available evidence is currently insufficient to determine the role of this variant in disease. Therefore, it has been classified as a Variant of Uncertain Significance.

Illumina Laboratory Services, Illumina
Classification: Uncertain significance for Leukocyte adhesion deficiency 1. Last evaluated: 2018-01-12. Review status: criteria provided, single submitter. Criteria: ICSL Variant Classification Criteria 13 December 2019. Collection method: clinical testing. Allele origin: germline.

Breakthrough Genomics
Classification: Uncertain significance. Review status: criteria provided, single submitter. Criteria: ACMG Guidelines, 2015. Collection method: not provided. Allele origin: germline. Inheritance: Autosomal dominant inheritance. Affected: yes.

NM_000211.5(ITGB2):c.625A>C (p.Lys209Gln)

Gene: ITGB2 (integrin subunit beta 2; minus strand). Cytogenetic location: 21q22.3.
Variant type: single nucleotide variant.
Coding change: c.625A>C on transcript NM_000211.5 (MANE Select); coding-DNA position 625, A replaced by C.
Protein change: p.Lys209Gln; replaces lysine 209 with glutamine.
Molecular consequence: missense variant.
Genome position (GRCh38, 1-based): chr21:44,901,608, T>G on the plus strand (A>C on the coding strand, the complement: ITGB2 is on the minus strand). VCF-style: chr21-44901608-T-G. GRCh37 (hg19) VCF-style: chr21-46321523-T-G.
Other names: p.Lys209Gln; c.625A>C, p.Lys209Gln (NM_001127491.3); c.418A>C, p.Lys140Gln (NM_001303238.2); short protein forms K209Q, K140Q.
Identifiers: ClinVar variation 530683 (VCV000530683.15), dbSNP rs769571214, ClinGen allele CA10063145.